The following is an entry in ClinVar:

ClinVar aggregate classification (germline): Conflicting classifications of pathogenicity. Review status: criteria provided, conflicting classifications (1 of 4 stars). 2 submissions from 2 submitters: Uncertain significance (1); Likely benign (1). Last evaluated 2023-07-26.

Conditions:
Rhabdoid tumor predisposition syndrome 2 (RTPS2). Identifiers: Orphanet 231108, Orphanet 69077, MedGen C2750074, MONDO:0013224, OMIM 613325.
Hereditary cancer-predisposing syndrome. Also called: Neoplastic Syndromes, Hereditary; Tumor predisposition; Hereditary neoplastic syndrome; Hereditary Cancer Syndrome. Identifiers: Orphanet 140162, MedGen C0027672, MeSH D009386, MONDO:0015356.

Allele frequency attached by ClinVar (database versions not stated): gnomAD exomes below 0.00001; gnomAD 0.00001; TOPMed 0.00001.
gnomAD v4.1: 3 of 1,562,538 alleles (0.00019%); highest among the groups gnomAD compares: African/African-American, 0.0041%; no homozygotes.

Submissions (2):

Labcorp Genetics (formerly Invitae), Labcorp
Classification: Likely benign for Rhabdoid tumor predisposition syndrome 2. Last evaluated: 2023-07-26. Review status: criteria provided, single submitter. Criteria: Invitae Variant Classification Sherloc (09022015). Collection method: clinical testing. Allele origin: germline.

Ambry Genetics
Classification: Uncertain significance for Hereditary cancer-predisposing syndrome. Last evaluated: 2022-12-21. Review status: criteria provided, single submitter. Criteria: Ambry Variant Classification Scheme 2023. Collection method: clinical testing. Allele origin: germline.
Comment: The c.4732-5C>T intronic variant results from a C to T substitution 5 nucleotides upstream from coding exon 33 in the SMARCA4 gene. This nucleotide position is not well conserved in available vertebrate species. In silico splice site analysis predicts that this alteration will not have any significant effect on splicing. Since supporting evidence is limited at this time, the clinical significance of this alteration remains unclear. Since supporting evidence is limited at this time, the clinical significance of this alteration remains unclear.

NM_003072.5(SMARCA4):c.4636-5C>T

Gene: SMARCA4 (SWI/SNF related BAF chromatin remodeling complex subunit ATPase 4; plus strand). Cytogenetic location: 19p13.2.
Variant type: single nucleotide variant.
Coding change: c.4636-5C>T on transcript NM_003072.5 (MANE Select); 5 bases into the intron before coding-DNA position 4636, C replaced by T.
Molecular consequence: intron variant.
Genome position (GRCh38, 1-based): chr19:11,059,748, C>T. VCF-style: chr19-11059748-C-T. GRCh37 (hg19) VCF-style: chr19-11170424-C-T.
Other names: c.4636-5C>T (NM_001128844.3); c.4732-5C>T (NM_001128849.3, NM_001387283.1); c.4537-5C>T (NM_001128847.4, NM_001374457.1); c.4633-5C>T (NM_001411150.1); c.4546-5C>T (NM_001128845.2); c.4543-5C>T (NM_001128846.2); c.4534-5C>T (NM_001128848.2).
Identifiers: ClinVar variation 2452857 (VCV002452857.5), dbSNP rs1437527088, ClinGen allele CA783236471.
Genomic context (GRCh38, chr19:11,059,748, plus strand): 5'-CCAGGGCCGGGCAGGCAGCCCTCCAGTCGGGCCCATCCACTCAAGCCCCTGGTGTCTCTG[C>T]CCAGATCTATGAAGACTCCATCGTCTTGCAGTCGGTCTTCACCAGCGTGCGGCAGAAAAT-3'